The following is an entry in ClinVar:

NM_025074.7(FRAS1):c.244C>G (p.Gln82Glu)

Gene: FRAS1 (Fraser extracellular matrix complex subunit 1; plus strand). Cytogenetic location: 4q21.21.
Variant type: single nucleotide variant.
Coding change: c.244C>G on transcript NM_025074.7 (MANE Select); coding-DNA position 244, C replaced by G.
Protein change: p.Gln82Glu; replaces glutamine 82 with glutamic acid.
Molecular consequence: missense variant.
Genome position (GRCh38, 1-based): chr4:78,245,260, C>G. VCF-style: chr4-78245260-C-G. GRCh37 (hg19) VCF-style: chr4-79166414-C-G.
Other names: c.244C>G, p.Gln82Glu (NM_001166133.2); short protein forms Q82E.
Identifiers: ClinVar variation 3368588 (VCV003368588.1).
Genomic context (GRCh38, chr4:78,245,260, plus strand): 5'-CTGTTTTACTTTGAGCTGCTTTTAAATGCTCAGGGAGAAGTGCTTCAAATAGCTGCCAAC[C>G]AATGCTGTCCTGAGTGTGTTTTGAGGACTCCAGGATCTTGCCATCATGAAAAGAAAATCC-3'
Protein context (NP_079350.5, residues 72-92): KGEVLQIAAN[Gln82Glu]CCPECVLRTP

ClinVar aggregate classification (germline): Uncertain significance (1 of 4 stars; one submission).

gnomAD v4.1: 1 of 1,608,598 alleles (0.000062%); highest among the groups gnomAD compares: South Asian, 0.0011%; no homozygotes.

Submission:

GeneDx
Classification: Uncertain significance. Last evaluated: 2024-02-03. Review status: criteria provided, single submitter. Criteria: GeneDx Variant Classification Process June 2021. Collection method: clinical testing. Allele origin: germline. Affected: yes.
Comment: Not observed at significant frequency in large population cohorts (gnomAD); In silico analysis supports that this missense variant does not alter protein structure/function; Has not been previously published as pathogenic or benign to our knowledge